The following is an entry in ClinVar:

NM_001111125.3(IQSEC2):c.826C>G (p.Pro276Ala)

Gene: IQSEC2 (IQ motif and Sec7 domain ArfGEF 2; minus strand). Cytogenetic location: Xp11.22.
Variant type: single nucleotide variant.
Coding change: c.826C>G on transcript NM_001111125.3 (MANE Select); coding-DNA position 826, C replaced by G.
Protein change: p.Pro276Ala; replaces proline 276 with alanine.
Molecular consequence: missense variant.
Genome position (GRCh38, 1-based): chrX:53,255,973, G>C on the plus strand (C>G on the coding strand, the complement: IQSEC2 is on the minus strand). VCF-style: chrX-53255973-G-C. GRCh37 (hg19) VCF-style: chrX-53285155-G-C.
Other names: c.826C>G (NM_001111125.1); c.826C>G, p.Pro276Ala (NM_001410736.1); c.211C>G, p.Pro71Ala (NM_015075.2); short protein forms P276A, P71A.
Identifiers: ClinVar variation 2716339 (VCV002716339.4), dbSNP rs1556865113, ClinGen allele CA413171975.

ClinVar aggregate classification (germline): Uncertain significance. Review status: criteria provided, multiple submitters, no conflicts (2 of 4 stars). 2 submissions from 2 submitters: Uncertain significance (2). Last evaluated 2025-07-27.

Conditions:
Intellectual developmental disorder, X-linked 1. Also called: MENTAL RETARDATION, X-LINKED 18; MENTAL RETARDATION, X-LINKED 78; Atkin Flaitz Patil Smith syndrome; Intellectual disability, X-linked 1. Identifiers: Orphanet 777, MedGen C2931498, MONDO:0010656, OMIM 309530.

gnomAD v4.1: 1 of 1,192,558 alleles (0.000084%); highest among the groups gnomAD compares: Non-Finnish European, 0.00011%; no homozygotes.

Submissions (2):

Labcorp Genetics (formerly Invitae), Labcorp
Classification: Uncertain significance for Intellectual developmental disorder, X-linked 1. Last evaluated: 2025-07-27. Review status: criteria provided, single submitter. Criteria: Invitae Variant Classification Sherloc (09022015). Collection method: clinical testing. Allele origin: germline.
Comment: This sequence change replaces proline, which is neutral and non-polar, with alanine, which is neutral and non-polar, at codon 276 of the IQSEC2 protein (p.Pro276Ala). This variant is not present in population databases (gnomAD no frequency). This missense change has been observed in individual(s) with clinical features of IQSEC2-related conditions (PMID: 35982159). ClinVar contains an entry for this variant (Variation ID: 2716339). Invitae Evidence Modeling of protein sequence and biophysical properties (such as structural, functional, and spatial information, amino acid conservation, physicochemical variation, residue mobility, and thermodynamic stability) indicates that this missense variant is not expected to disrupt IQSEC2 protein function with a negative predictive value of 95%. In summary, the available evidence is currently insufficient to determine the role of this variant in disease. Therefore, it has been classified as a Variant of Uncertain Significance.

GeneDx
Classification: Uncertain significance. Last evaluated: 2025-07-17. Review status: criteria provided, single submitter. Criteria: GeneDx Variant Classification Process June 2021. Collection method: clinical testing. Allele origin: germline. Affected: yes.
Comment: Identified as a de novo variant in a patient with autism in published literature; however, de novo variants in other genes were also identified in this individual (PMID: 35982159); Not observed at significant frequency in large population cohorts (gnomAD); In silico analysis suggests that this missense variant does not alter protein structure/function; This variant is associated with the following publications: (PMID: 35982159)

Literature cited by the submitters: PubMed 35982159 (cited by Labcorp Genetics (formerly Invitae), Labcorp).